The following is an entry in ClinVar:

NM_005654.6(NR2F1):c.192C>T (p.Pro64=)

Genes: NR2F1 (nuclear receptor subfamily 2 group F member 1; plus strand), NR2F1-AS1 (NR2F1 regulatory antisense RNA 1; minus strand). Cytogenetic location: 5q15.
Variant type: single nucleotide variant.
Coding change: c.192C>T on transcript NM_005654.6 (MANE Select); coding-DNA position 192, C replaced by T.
Protein change: p.Pro64=; no amino-acid change (proline 64 retained).
Molecular consequence: synonymous variant.
Genome position (GRCh38, 1-based): chr5:93,585,215, C>T. VCF-style: chr5-93585215-C-T. GRCh37 (hg19) VCF-style: chr5-92920921-C-T.
Identifiers: ClinVar variation 388391 (VCV000388391.22), dbSNP rs747522225, ClinGen allele CA3343110.

ClinVar aggregate classification (germline): Benign/Likely benign. Review status: criteria provided, multiple submitters, no conflicts (2 of 4 stars). 4 submissions from 4 submitters: Benign (1); Likely benign (3). Last evaluated 2025-11-17.

Allele frequency attached by ClinVar (database versions not stated): gnomAD exomes 0.00002 and 0.00005; ExAC 0.00009; 1000 Genomes Project 30x 0.00016; gnomAD 0.00024 and 0.00026; TOPMed 0.00032.
gnomAD v4.1: 68 of 1,544,244 alleles (0.0044%); highest among the groups gnomAD compares: African/African-American, 0.08%; no homozygotes.

Submissions (4):

Labcorp Genetics (formerly Invitae), Labcorp
Classification: Likely benign. Last evaluated: 2025-11-17. Review status: criteria provided, single submitter. Criteria: Invitae Variant Classification Sherloc (09022015). Collection method: clinical testing. Allele origin: germline.

CeGaT Center for Human Genetics Tuebingen
Classification: Likely benign. Last evaluated: 2025-05-01. Review status: criteria provided, single submitter. Criteria: CeGaT Center For Human Genetics Tuebingen Variant Classification Criteria Version 2. Collection method: clinical testing. Allele origin: germline. Affected: yes. Observed: 1 variant allele.
Comment: NR2F1: BP4, BP7

Blueprint Genetics
Classification: Likely benign. Last evaluated: 2023-01-09. Review status: criteria provided, single submitter. Criteria: ACMG Guidelines, 2015. Collection method: clinical testing. Allele origin: germline.

GeneDx
Classification: Benign. Last evaluated: 2020-06-09. Review status: criteria provided, single submitter. Criteria: GeneDx Variant Classification Process June 2021. Collection method: clinical testing. Allele origin: germline. Affected: yes.